The following is an entry in ClinVar:

ClinVar aggregate classification (germline): Uncertain significance (1 of 4 stars; one submission).

gnomAD v4.1: 2 of 1,612,024 alleles (0.00012%); highest among the groups gnomAD compares: African/African-American, 0.0013%; no homozygotes.

Submission:

Dasa
Classification: Uncertain significance. Last evaluated: 2025-02-25. Review status: criteria provided, single submitter. Criteria: DASA Assertion Criteria. Collection method: clinical testing. Allele origin: germline.
Comment: NM_001005498.4(RHBDF2):c.371G>T (p.Arg124Leu) is a missense variant that results in the substitution of arginine with leucine. This variant is rare in population databases. Computational prediction algorithms are consistent with a benign effect. The currently available literature and clinical evidence are not sufficient to establish a definitive association between this variant and the reported condition. Therefore, this variant is classified as a variant of uncertain significance.

NM_001005498.4(RHBDF2):c.371G>T (p.Arg124Leu)

Gene: RHBDF2 (rhomboid 5 homolog 2; minus strand). Cytogenetic location: 17q25.1.
Variant type: single nucleotide variant.
Coding change: c.371G>T on transcript NM_001005498.4 (MANE Select); coding-DNA position 371, G replaced by T.
Protein change: p.Arg124Leu; replaces arginine 124 with leucine.
Molecular consequence: missense variant. On other transcripts: non-coding transcript variant (3).
Genome position (GRCh38, 1-based): chr17:76,479,179, C>A on the plus strand (G>T on the coding strand, the complement: RHBDF2 is on the minus strand). VCF-style: chr17-76479179-C-A. GRCh37 (hg19) VCF-style: chr17-74475261-C-A.
Other names: c.371G>T, p.Arg124Leu (NM_001376228.1, NM_001376229.1, NM_001376230.1); c.458G>T, p.Arg153Leu (NM_024599.5); short protein forms R124L, R153L.
Identifiers: ClinVar variation 4883437 (VCV004883437.2).